The following is an entry in ClinVar:

NM_052947.4(ALPK2):c.5464A>C (p.Thr1822Pro)

Gene: ALPK2 (alpha kinase 2; minus strand). Cytogenetic location: 18q21.31.
Variant type: single nucleotide variant.
Coding change: c.5464A>C on transcript NM_052947.4 (MANE Select); coding-DNA position 5464, A replaced by C.
Protein change: p.Thr1822Pro; replaces threonine 1822 with proline.
Molecular consequence: missense variant.
Genome position (GRCh38, 1-based): chr18:58,529,128, T>G on the plus strand (A>C on the coding strand, the complement: ALPK2 is on the minus strand). VCF-style: chr18-58529128-T-G. GRCh37 (hg19) VCF-style: chr18-56196360-T-G.
Other names: short protein forms T1822P.
Identifiers: ClinVar variation 2449265 (VCV002449265.2), dbSNP rs2518869484, ClinGen allele CA402553774.

ClinVar aggregate classification (germline): Uncertain significance (1 of 4 stars; one submission).

Submission:

Ambry Genetics
Classification: Uncertain significance. Last evaluated: 2023-01-19. Review status: criteria provided, single submitter. Criteria: Ambry Variant Classification Scheme 2023. Collection method: clinical testing. Allele origin: germline.
Comment: The p.T1822P variant (also known as c.5464A>C), located in coding exon 5 of the ALPK2 gene, results from an A to C substitution at nucleotide position 5464. The threonine at codon 1822 is replaced by proline, an amino acid with highly similar properties. This amino acid position is conserved. In addition, this alteration is predicted to be tolerated by in silico analysis. Since supporting evidence is limited at this time, the clinical significance of this alteration remains unclear.